The following is an entry in ClinVar:

ClinVar aggregate classification (germline): Uncertain significance (1 of 4 stars; one submission).

Conditions:
Long QT syndrome (LQTS). Identifiers: MedGen C0023976, MeSH D008133, MONDO:0002442. Disease mechanism: loss of function. Inheritance: Various modes of inheritance.

Submission:

Labcorp Genetics (formerly Invitae), Labcorp
Classification: Uncertain significance for Long QT syndrome. Last evaluated: 2022-08-07. Review status: criteria provided, single submitter. Criteria: Invitae Variant Classification Sherloc (09022015). Collection method: clinical testing. Allele origin: germline.
Comment: In summary, the available evidence is currently insufficient to determine the role of this variant in disease. Therefore, it has been classified as a Variant of Uncertain Significance. Algorithms developed to predict the effect of missense changes on protein structure and function (SIFT, PolyPhen-2, Align-GVGD) all suggest that this variant is likely to be tolerated. This variant has not been reported in the literature in individuals affected with ANK2-related conditions. This variant is not present in population databases (gnomAD no frequency). This sequence change replaces glutamine, which is neutral and polar, with leucine, which is neutral and non-polar, at codon 2617 of the ANK2 protein (p.Gln2617Leu).

NM_001148.6(ANK2):c.7850A>T (p.Gln2617Leu)

Genes: ANK2 (ankyrin 2; plus strand), LOC126807137 (CDK7 strongly-dependent group 2 enhancer GRCh37_chr4:114276560-114277759; plus strand). Cytogenetic location: 4q26.
Variant type: single nucleotide variant.
Coding change: c.7850A>T on transcript NM_001148.6 (MANE Select); coding-DNA position 7850, A replaced by T.
Protein change: p.Gln2617Leu; replaces glutamine 2617 with leucine.
Molecular consequence: missense variant. On other transcripts: intron variant (68).
Genome position (GRCh38, 1-based): chr4:113,356,468, A>T. VCF-style: chr4-113356468-A-T. GRCh37 (hg19) VCF-style: chr4-114277624-A-T.
Other names: c.7616A>T, p.Gln2539Leu (NM_001386142.1); c.4250A>T, p.Gln1417Leu (NM_001386166.1); c.7991A>T, p.Gln2664Leu (NM_001386174.1); c.7967A>T, p.Gln2656Leu (NM_001386175.1); c.4412-4355A>T (NM_001386186.2, NM_001386148.2); c.4214-4355A>T (NM_001354269.3); c.4292-4355A>T (NM_001386187.2); c.4253-4355A>T (NM_001386147.1); and 35 more; short protein forms Q1417L, Q2539L, Q2617L, Q2656L, Q2664L.
Identifiers: ClinVar variation 1715449 (VCV001715449.6), dbSNP rs367850770, ClinGen allele CA357932373.
Genomic context (GRCh38, chr4:113,356,468, plus strand): 5'-TGTTTGATGAACTTGAACAAGAAGCAAAGCAGAAAAGGGACTACAAAAAAGAACCCAAAC[A>T]AGAAGAATCTTCTTCATCTTCTGACCCAGATGCTGACTGTTCAGTAGATGTGGATGAACC-3'
Protein context (NP_001139.3, residues 2607-2627): QKRDYKKEPK[Gln2617Leu]EESSSSSDPD